The following is an entry in ClinVar:

NM_021964.3(ZNF148):c.2014G>C (p.Asp672His)

Genes: ZNF148 (zinc finger protein 148; minus strand), LOC126806798 (P300/CBP strongly-dependent group 1 enhancer GRCh37_chr3:124950809-124952008; plus strand). Cytogenetic location: 3q21.2.
Variant type: single nucleotide variant.
Coding change: c.2014G>C on transcript NM_021964.3 (MANE Select); coding-DNA position 2014, G replaced by C.
Protein change: p.Asp672His; replaces aspartic acid 672 with histidine.
Molecular consequence: missense variant.
Genome position (GRCh38, 1-based): chr3:125,232,712, C>G on the plus strand (G>C on the coding strand, the complement: ZNF148 is on the minus strand). VCF-style: chr3-125232712-C-G. GRCh37 (hg19) VCF-style: chr3-124951556-C-G.
Other names: c.2014G>C, p.Asp672His (NM_001348424.1, NM_001348425.2, NM_001348426.2 and 7 more transcripts); c.1888G>C, p.Asp630His (NM_001348434.2); short protein forms D630H, D672H.
Identifiers: ClinVar variation 2632286 (VCV002632286.1), dbSNP rs1935909212, ClinGen allele CA354293923.

ClinVar aggregate classification (germline): Uncertain significance (1 of 4 stars; one submission).

Conditions:
ZNF148-related disorder. Also called: ZNF148-related condition.

Allele frequency attached by ClinVar (database versions not stated): TOPMed 0.00001.

Submission:

PreventionGenetics, part of Exact Sciences
Classification: Uncertain significance for ZNF148-related condition. Last evaluated: 2023-07-18. Review status: criteria provided, single submitter. Criteria: ACMG Guidelines, 2015. Collection method: clinical testing. Allele origin: germline.
Comment: The ZNF148 c.2014G>C variant is predicted to result in the amino acid substitution p.Asp672His. To our knowledge, this variant has not been reported in the literature or in a large population database, indicating this variant is rare. At this time, the clinical significance of this variant is uncertain due to the absence of conclusive functional and genetic evidence.